The following is an entry in ClinVar:

ClinVar aggregate classification (germline): Uncertain significance (1 of 4 stars; one submission).

Submission:

Labcorp Genetics (formerly Invitae), Labcorp
Classification: Uncertain significance. Last evaluated: 2024-10-13. Review status: criteria provided, single submitter. Criteria: Invitae Variant Classification Sherloc (09022015). Collection method: clinical testing. Allele origin: germline.
Comment: This sequence change replaces valine, which is neutral and non-polar, with leucine, which is neutral and non-polar, at codon 4879 of the HMCN1 protein (p.Val4879Leu). This variant is not present in population databases (gnomAD no frequency). This variant has not been reported in the literature in individuals affected with HMCN1-related conditions. An algorithm developed to predict the effect of missense changes on protein structure and function (PolyPhen-2) suggests that this variant is likely to be disruptive. In summary, the available evidence is currently insufficient to determine the role of this variant in disease. Therefore, it has been classified as a Variant of Uncertain Significance.

NM_031935.3(HMCN1):c.14635G>C (p.Val4879Leu)

Gene: HMCN1 (hemicentin 1; plus strand). Cytogenetic location: 1q31.1.
Variant type: single nucleotide variant.
Coding change: c.14635G>C on transcript NM_031935.3 (MANE Select); coding-DNA position 14635, G replaced by C.
Protein change: p.Val4879Leu; replaces valine 4879 with leucine.
Molecular consequence: missense variant.
Genome position (GRCh38, 1-based): chr1:186,151,226, G>C. VCF-style: chr1-186151226-G-C. GRCh37 (hg19) VCF-style: chr1-186120358-G-C.
Other names: short protein forms V4879L.
Identifiers: ClinVar variation 3722450 (VCV003722450.2).
Genomic context (GRCh38, chr1:186,151,226, plus strand): 5'-CCTTATCCAGGAATGTTTTTTTTTCCCCCAATAGGTGGGCCCCAGCGAGCCAGAGGAAGT[G>C]TTATTGGAAATATTAATGATGTTGAATTTGGAATTGCTTTCCTTAATGCCACAATAACTG-3'
Protein context (NP_114141.2, residues 4869-4889): PGGPQRARGS[Val4879Leu]IGNINDVEFG